The following is an entry in ClinVar:

ClinVar aggregate classification (germline): Pathogenic (1 of 4 stars; one submission).

Submission:

Labcorp Genetics (formerly Invitae), Labcorp
Classification: Pathogenic. Last evaluated: 2024-10-21. Review status: criteria provided, single submitter. Criteria: Invitae Variant Classification Sherloc (09022015). Collection method: clinical testing. Allele origin: germline.
Comment: This sequence change replaces glycine, which is neutral and non-polar, with serine, which is neutral and polar, at codon 801 of the COL2A1 protein (p.Gly801Ser). Information on the frequency of this variant in the gnomAD database is not available, as this variant may be reported differently in the database. This missense change has been observed in individuals with clinical features of autosomal dominant spondyloepiphyseal dysplasia (PMID: 23079993; internal data). It has also been observed to segregate with disease in related individuals. Experimental studies and prediction algorithms are not available or were not evaluated, and the functional significance of this variant is currently unknown. This variant disrupts the triple helix domain of COL2A1. Glycine residues within the Gly-Xaa-Yaa repeats of the triple helix domain are required for the structure and stability of fibrillar collagens (PMID: 7695699, 8218237, 19344236). In COL2A1, variants affecting these glycine residues are significantly enriched in individuals with disease (PMID: 9016532, 17078022) compared to the general population (ExAC). For these reasons, this variant has been classified as Pathogenic.

Literature cited by the submitters: PubMed 23079993; PubMed 7695699; PubMed 8218237; PubMed 19344236; PubMed 9016532; PubMed 17078022.

NM_001844.5(COL2A1):c.2400_2401inv (p.Gly801Ser)

Gene: COL2A1 (collagen type II alpha 1 chain; minus strand). Cytogenetic location: 12q13.11.
Variant type: Inversion.
Coding change: c.2400_2401inv on transcript NM_001844.5 (MANE Select).
Protein change: p.Gly801Ser; replaces glycine 801 with serine.
Molecular consequence: missense variant.
Genome position: GRCh38 VCF-style: chr12-47981784-CA-TG. GRCh37 (hg19) VCF-style: chr12-48375567-CA-TG.
Other names: c.2193_2194inv, p.Gly732Ser (NM_033150.3); short protein forms G801S, G732S.
Identifiers: ClinVar variation 3639319 (VCV003639319.2).
Genomic context (GRCh38, chr12:47,981,784, plus strand): 5'-AGGAGGTGTGACAGGGAGGCAAGGTGTGGAGAGGAAAGGAGCCGGGACTCACCTTCTCGC[CA>TG]TTAGCACCAGCTGGGCCAGGGGGGCCAATGGGACCTGTCAGGCCCTGCGGGGAGAGCAGG-3'
Protein context (NP_001835.3, residues 791-811): IGPPGPAGAN[Gly801Ser]EKGEVGPPGP